The following is an entry in ClinVar:

NM_000214.3(JAG1):c.1306T>C (p.Cys436Arg)

Gene: JAG1 (jagged canonical Notch ligand 1; minus strand). Cytogenetic location: 20p12.2.
Variant type: single nucleotide variant.
Coding change: c.1306T>C on transcript NM_000214.3 (MANE Select); coding-DNA position 1306, T replaced by C.
Protein change: p.Cys436Arg; replaces cysteine 436 with arginine.
Molecular consequence: missense variant.
Genome position (GRCh38, 1-based): chr20:10,649,564, A>G on the plus strand (T>C on the coding strand, the complement: JAG1 is on the minus strand). VCF-style: chr20-10649564-A-G. GRCh37 (hg19) VCF-style: chr20-10630212-A-G.
Other names: short protein forms C436R.
Identifiers: ClinVar variation 1509731 (VCV001509731.6), dbSNP rs2122610484, ClinGen allele CA408238181.

ClinVar aggregate classification (germline): Uncertain significance (1 of 4 stars; one submission).

Conditions:
Alagille syndrome due to a JAG1 point mutation. Also called: HEPATIC DUCTULAR HYPOPLASIA, SYNDROMATIC; JAG1-Related Alagille Syndrome; Alagille Syndrome 1. Identifiers: Orphanet 261619, Orphanet 52, MedGen C1956125, MONDO:0016862, OMIM 118450.

Submission:

Labcorp Genetics (formerly Invitae), Labcorp
Classification: Uncertain significance for Alagille syndrome due to a JAG1 point mutation. Last evaluated: 2021-08-02. Review status: criteria provided, single submitter. Criteria: Invitae Variant Classification Sherloc (09022015). Collection method: clinical testing. Allele origin: germline.
Comment: This sequence change replaces cysteine with arginine at codon 436 of the JAG1 protein (p.Cys436Arg). The cysteine residue is highly conserved and there is a large physicochemical difference between cysteine and arginine. This variant is not present in population databases (ExAC no frequency). This variant has not been reported in the literature in individuals affected with JAG1-related conditions. Advanced modeling of protein sequence and biophysical properties (such as structural, functional, and spatial information, amino acid conservation, physicochemical variation, residue mobility, and thermodynamic stability) performed at Invitae indicates that this missense variant is expected to disrupt JAG1 protein function. In summary, the available evidence is currently insufficient to determine the role of this variant in disease. Therefore, it has been classified as a Variant of Uncertain Significance.